The following is an entry in ClinVar:

NM_006922.4(SCN3A):c.891C>T (p.Gly297=)

Gene: SCN3A (sodium voltage-gated channel alpha subunit 3; minus strand). Cytogenetic location: 2q24.3.
Variant type: single nucleotide variant.
Coding change: c.891C>T on transcript NM_006922.4 (MANE Select); coding-DNA position 891, C replaced by T.
Protein change: p.Gly297=; no amino-acid change (glycine 297 retained).
Molecular consequence: synonymous variant.
Genome position (GRCh38, 1-based): chr2:165,162,632, G>A on the plus strand (C>T on the coding strand, the complement: SCN3A is on the minus strand). VCF-style: chr2-165162632-G-A. GRCh37 (hg19) VCF-style: chr2-166019142-G-A.
Other names: c.891C>T, p.Gly297= (NM_001081676.2, NM_001081677.2).
Identifiers: ClinVar variation 3673255 (VCV003673255.2).

ClinVar aggregate classification (germline): Uncertain significance (1 of 4 stars; one submission).

Submission:

Labcorp Genetics (formerly Invitae), Labcorp
Classification: Uncertain significance. Last evaluated: 2024-10-23. Review status: criteria provided, single submitter. Criteria: Invitae Variant Classification Sherloc (09022015). Collection method: clinical testing. Allele origin: germline.
Comment: This sequence change affects codon 297 of the SCN3A mRNA. It is a 'silent' change, meaning that it does not change the encoded amino acid sequence of the SCN3A protein. This variant is not present in population databases (gnomAD no frequency). This variant has not been reported in the literature in individuals affected with SCN3A-related conditions. Algorithms developed to predict the effect of sequence changes on RNA splicing suggest that this variant may create or strengthen a splice site. In summary, the available evidence is currently insufficient to determine the role of this variant in disease. Therefore, it has been classified as a Variant of Uncertain Significance.